The following is an entry in ClinVar:

NM_004628.5(XPC):c.2687C>T (p.Ala896Val)

Gene: XPC (XPC complex subunit, DNA damage recognition and repair factor; minus strand). Cytogenetic location: 3p25.1.
Variant type: single nucleotide variant.
Coding change: c.2687C>T on transcript NM_004628.5 (MANE Select); coding-DNA position 2687, C replaced by T.
Protein change: p.Ala896Val; replaces alanine 896 with valine.
Molecular consequence: missense variant. On other transcripts: non-coding transcript variant (2).
Genome position (GRCh38, 1-based): chr3:14,146,077, G>A on the plus strand (C>T on the coding strand, the complement: XPC is on the minus strand). VCF-style: chr3-14146077-G-A. GRCh37 (hg19) VCF-style: chr3-14187577-G-A.
Other names: c.2108C>T, p.Ala703Val (NM_001354726.2); c.2681C>T, p.Ala894Val (NM_001354727.2); c.2669C>T, p.Ala890Val (NM_001354729.2); c.2441C>T, p.Ala814Val (NM_001354730.2); short protein forms A703V, A814V, A890V, A894V, A896V.
Identifiers: ClinVar variation 4887145 (VCV004887145.1).

ClinVar aggregate classification (germline): Uncertain significance (1 of 4 stars; one submission).

gnomAD v4.1: 103 of 1,612,226 alleles (0.0064%); highest among the groups gnomAD compares: Non-Finnish European, 0.0082%; no homozygotes.

Submission:

Women's Health and Genetics/Laboratory Corporation of America, LabCorp
Classification: Uncertain significance. Last evaluated: 2026-06-30. Review status: criteria provided, single submitter. Criteria: LabCorp Variant Classification Summary - May 2015. Collection method: clinical testing. Allele origin: germline.
Comment: Variant summary: XPC c.2687C>T (p.Ala896Val) results in a non-conservative amino acid change in the encoded protein sequence. Algorithms developed to predict the effect of missense changes on protein structure and function are either unavailable or do not agree on the potential impact of this missense change. The variant allele was found at a frequency of 2.8e-05 in 248414 control chromosomes. The available data on variant occurrences in the general population are insufficient to allow any conclusion about variant significance. To our knowledge, no occurrence of c.2687C>T in individuals affected with XPC-related conditions and no experimental evidence demonstrating its impact on protein function have been reported. No submitters have cited clinical-significance assessments for this variant to ClinVar. Based on the evidence outlined above, the variant was classified as uncertain significance.